The following is an entry in ClinVar:

NM_001330588.2(TPP2):c.1066del (p.Tyr356fs)

Gene: TPP2 (tripeptidyl peptidase 2; plus strand). Cytogenetic location: 13q33.1.
Variant type: Deletion.
Coding change: c.1066del on transcript NM_001330588.2 (MANE Select); coding-DNA position 1066, one base deleted (T; older notation c.1066delT).
Protein change: p.Tyr356fs; shifts the reading frame from tyrosine 356.
Molecular consequence: frameshift variant. On other transcripts: non-coding transcript variant (1).
Genome position (GRCh38, 1-based): chr13:102,629,531, T deleted; the last of 3 consecutive T bases (chr13:102,629,529-102,629,531); deleting any one gives the same sequence. VCF-style (leftmost placement, unchanged base first): chr13-102629528-AT-A. GRCh37 (hg19) VCF-style: chr13-103281878-AT-A.
Other names: c.1066del, p.Tyr356fs (NM_001367947.1, NM_003291.4); short protein forms Y356fs.
Identifiers: ClinVar variation 4736460 (VCV004736460.1).
Genomic context (GRCh38, chr13:102,629,528, plus strand): 5'-TCTCTCTTTTTCAGGAGAATTTGTGAAGTAATTAATGAAGCAGTATGGAAGCATAATATA[AT>A]TTATGTTTCAAGTGCTGGAAATAATGGTCCATGCCTGTCTACAGTTGGTTGTCCAGGTGG-3'

ClinVar aggregate classification (germline): Pathogenic (1 of 4 stars; one submission).

Conditions:
Evans syndrome, immunodeficiency, and premature immunosenescence associated with tripeptidyl-peptidase II deficiency. Identifiers: MedGen CN231723. Disease mechanism: loss of function.

Submission:

Labcorp Genetics (formerly Invitae), Labcorp
Classification: Pathogenic for Evans syndrome, immunodeficiency, and premature immunosenescence associated with tripeptidyl-peptidase II deficiency. Last evaluated: 2026-02-01. Review status: criteria provided, single submitter. Criteria: Invitae Variant Classification Sherloc (09022015). Collection method: clinical testing. Allele origin: germline.
Comment: This sequence change creates a premature translational stop signal (p.Tyr356Metfs*25) in the TPP2 gene. It is expected to result in an absent or disrupted protein product. Loss-of-function variants in TPP2 are known to be pathogenic (PMID: 25414442). This variant is not present in population databases (gnomAD no frequency). This variant has not been reported in the literature in individuals affected with TPP2-related conditions. For these reasons, this variant has been classified as Pathogenic.

Literature cited by the submitters: PubMed 25414442.